The following is an entry in ClinVar:

ClinVar aggregate classification (germline): Conflicting classifications of pathogenicity. Review status: criteria provided, conflicting classifications (1 of 4 stars). 5 submissions from 5 submitters: Uncertain significance (2); Likely benign (1). 2 of the submissions do not count toward it. Last evaluated 2026-01-21.

Conditions:
SGCA-related disorder. Also called: SGCA-related condition.
Autosomal recessive limb-girdle muscular dystrophy type 2D (LGMDR3). Also called: MUSCULAR DYSTROPHY, LIMB-GIRDLE, AUTOSOMAL RECESSIVE 3; ADHALINOPATHY, PRIMARY; DUCHENNE-LIKE AUTOSOMAL RECESSIVE MUSCULAR DYSTROPHY, TYPE 2. Identifiers: Orphanet 62, MedGen C2936332, MONDO:0011968, OMIM 608099. Disease mechanism: Affects gamma-sarcoglycan and also disrupts the integrity of the entire sarcoglycan complex..

Allele frequency attached by ClinVar (database versions not stated): gnomAD exomes 0.00001 and 0.00004; ExAC 0.00002; 1000 Genomes Project 30x 0.00016; gnomAD 0.00017 and 0.00019; TOPMed 0.00019; 1000 Genomes Project 0.00020; ESP Exome Variant Server 0.00031.
gnomAD v4.1: 44 of 1,612,532 alleles (0.0027%); highest among the groups gnomAD compares: African/African-American, 0.051%; no homozygotes.

Submissions (5):

Labcorp Genetics (formerly Invitae), Labcorp
Classification: Likely benign for Autosomal recessive limb-girdle muscular dystrophy type 2D. Last evaluated: 2026-01-21. Review status: criteria provided, single submitter. Criteria: Invitae Variant Classification Sherloc (09022015). Collection method: clinical testing. Allele origin: germline.

Athena Diagnostics
Classification: Uncertain significance. Last evaluated: 2020-11-11. Review status: criteria provided, single submitter. Criteria: Athena Diagnostics criteria. Collection method: clinical testing. Allele origin: unknown.

Eurofins Ntd Llc (ga)
Classification: Uncertain significance. Last evaluated: 2018-02-09. Review status: criteria provided, single submitter. Criteria: EGL ClinVar v180209 classification definitions. Collection method: clinical testing. Allele origin: germline. Observed: 1 variant allele, 1 heterozygote.

PreventionGenetics, part of Exact Sciences
Classification: Likely benign for SGCA-related condition. Last evaluated: 2024-01-23. Review status: no assertion criteria provided. Collection method: clinical testing. Allele origin: germline. Not counted in ClinVar's aggregate classification.
Comment: This variant is classified as likely benign based on ACMG/AMP sequence variant interpretation guidelines (Richards et al. 2015 PMID: 25741868, with internal and published modifications).

Natera, Inc.
Classification: Uncertain significance for Limb-girdle muscular dystrophy type 2D. Last evaluated: 2020-01-24. Review status: no assertion criteria provided. Collection method: clinical testing. Allele origin: germline. Not counted in ClinVar's aggregate classification.

NM_000023.4(SGCA):c.37+10G>T

Gene: SGCA (sarcoglycan alpha; plus strand). Cytogenetic location: 17q21.33.
Variant type: single nucleotide variant.
Coding change: c.37+10G>T on transcript NM_000023.4 (MANE Select); 10 bases into the intron after coding-DNA position 37, G replaced by T.
Molecular consequence: intron variant.
Genome position (GRCh38, 1-based): chr17:50,166,087, G>T. VCF-style: chr17-50166087-G-T. GRCh37 (hg19) VCF-style: chr17-48243448-G-T.
Other names: c.37+10G>T (NM_000023.3, NM_001135697.3).
Identifiers: ClinVar variation 596004 (VCV000596004.19), dbSNP rs200626376, ClinGen allele CA8643649.